The following is an entry in ClinVar:

ClinVar aggregate classification (germline): Likely benign. Review status: criteria provided, multiple submitters, no conflicts (2 of 4 stars). 3 submissions from 3 submitters: Likely benign (3). Last evaluated 2026-05-01.

Conditions:
Infantile neuroaxonal dystrophy (NBIA2A). Also called: SEITELBERGER DISEASE; Infantile neuroaxonal dystrophy 1; NEURODEGENERATION WITH BRAIN IRON ACCUMULATION 2A. Identifiers: Orphanet 35069, MedGen C0270724, MONDO:0024457, OMIM 256600.

Allele frequency attached by ClinVar (database versions not stated): ExAC 0.00002; gnomAD 0.00002; gnomAD exomes 0.00004; TOPMed 0.00004; 1000 Genomes Project 0.00020; 1000 Genomes Project 30x 0.00031.

Submissions (3):

CeGaT Center for Human Genetics Tuebingen
Classification: Likely benign. Last evaluated: 2026-05-01. Review status: criteria provided, single submitter. Criteria: CeGaT Center For Human Genetics Tuebingen Variant Classification Criteria Version 2. Collection method: clinical testing. Allele origin: germline. Affected: yes. Observed: 1 variant allele.
Comment: PLA2G6: BP4, BP7

Labcorp Genetics (formerly Invitae), Labcorp
Classification: Likely benign for Infantile neuroaxonal dystrophy. Last evaluated: 2026-01-13. Review status: criteria provided, single submitter. Criteria: Invitae Variant Classification Sherloc (09022015). Collection method: clinical testing. Allele origin: germline.

GeneDx
Classification: Likely benign. Last evaluated: 2020-12-30. Review status: criteria provided, single submitter. Criteria: GeneDx Variant Classification Process June 2021. Collection method: clinical testing. Allele origin: germline. Affected: yes.

NM_003560.4(PLA2G6):c.1416C>T (p.Asp472=)

Gene: PLA2G6 (phospholipase A2 group VI; minus strand). Cytogenetic location: 22q13.1.
Variant type: single nucleotide variant.
Coding change: c.1416C>T on transcript NM_003560.4 (MANE Select); coding-DNA position 1416, C replaced by T.
Protein change: p.Asp472=; no amino-acid change (aspartic acid 472 retained).
Molecular consequence: synonymous variant.
Genome position (GRCh38, 1-based): chr22:38,126,382, G>A on the plus strand (C>T on the coding strand, the complement: PLA2G6 is on the minus strand). VCF-style: chr22-38126382-G-A. GRCh37 (hg19) VCF-style: chr22-38522389-G-A.
Other names: c.1254C>T, p.Asp418= (NM_001004426.3, NM_001199562.3, NM_001349865.2 and 1 more transcripts); c.1416C>T, p.Asp472= (NM_001349864.2); c.882C>T, p.Asp294= (NM_001349867.2); c.738C>T, p.Asp246= (NM_001349868.2); c.720C>T, p.Asp240= (NM_001349869.2).
Identifiers: ClinVar variation 1200047 (VCV001200047.13), dbSNP rs199714835, ClinGen allele CA10230876.